The following is an entry in ClinVar:

ClinVar aggregate classification (germline): Uncertain significance. Review status: criteria provided, multiple submitters, no conflicts (2 of 4 stars). 2 submissions from 2 submitters: Uncertain significance (2). Last evaluated 2025-12-22.

Conditions:
Hereditary cancer-predisposing syndrome. Also called: Tumor predisposition; Neoplastic Syndromes, Hereditary; Hereditary Cancer Syndrome; Hereditary neoplastic syndrome. Identifiers: Orphanet 140162, MedGen C0027672, MeSH D009386, MONDO:0015356.
Multiple endocrine neoplasia type 4. Also called: MULTIPLE ENDOCRINE NEOPLASIA, TYPE IV. Identifiers: Orphanet 276152, MedGen C1970712, MONDO:0012552, OMIM 610755.

Submissions (2):

Labcorp Genetics (formerly Invitae), Labcorp
Classification: Uncertain significance for Multiple endocrine neoplasia type 4. Last evaluated: 2025-12-22. Review status: criteria provided, single submitter. Criteria: Invitae Variant Classification Sherloc (09022015). Collection method: clinical testing. Allele origin: germline.
Comment: This sequence change replaces valine, which is neutral and non-polar, with glycine, which is neutral and non-polar, at codon 36 of the CDKN1B protein (p.Val36Gly). This variant is not present in population databases (gnomAD no frequency). This variant has not been reported in the literature in individuals affected with CDKN1B-related conditions. ClinVar contains an entry for this variant (Variation ID: 1786161). An algorithm developed to predict the effect of missense changes on protein structure and function (PolyPhen-2) suggests that this variant is likely to be disruptive. In summary, the available evidence is currently insufficient to determine the role of this variant in disease. Therefore, it has been classified as a Variant of Uncertain Significance.

Ambry Genetics
Classification: Uncertain significance for Hereditary cancer-predisposing syndrome. Last evaluated: 2025-05-02. Review status: criteria provided, single submitter. Criteria: Ambry Variant Classification Scheme 2023. Collection method: clinical testing. Allele origin: germline.
Comment: The p.V36G variant (also known as c.107T>G), located in coding exon 1 of the CDKN1B gene, results from a T to G substitution at nucleotide position 107. The valine at codon 36 is replaced by glycine, an amino acid with dissimilar properties. This amino acid position is highly conserved in available vertebrate species. In addition, this alteration is predicted to be deleterious by in silico analysis. Based on the available evidence, the clinical significance of this variant remains unclear.

NM_004064.5(CDKN1B):c.107T>G (p.Val36Gly)

Gene: CDKN1B (cyclin dependent kinase inhibitor 1B; plus strand). Cytogenetic location: 12p13.1.
Variant type: single nucleotide variant.
Coding change: c.107T>G on transcript NM_004064.5 (MANE Select); coding-DNA position 107, T replaced by G.
Protein change: p.Val36Gly; replaces valine 36 with glycine.
Molecular consequence: missense variant.
Genome position (GRCh38, 1-based): chr12:12,717,946, T>G. VCF-style: chr12-12717946-T-G. GRCh37 (hg19) VCF-style: chr12-12870880-T-G.
Other names: short protein forms V36G.
Identifiers: ClinVar variation 1786161 (VCV001786161.8), dbSNP rs2497404080, ClinGen allele CA383968654.